The following is an entry in ClinVar:

NM_001276345.2(TNNT2):c.617G>A (p.Arg206Gln)

Gene: TNNT2 (troponin T2, cardiac type; minus strand). Cytogenetic location: 1q32.1.
Variant type: single nucleotide variant.
Coding change: c.617G>A on transcript NM_001276345.2 (MANE Select); coding-DNA position 617, G replaced by A.
Protein change: p.Arg206Gln; replaces arginine 206 with glutamine.
Molecular consequence: missense variant.
Genome position (GRCh38, 1-based): chr1:201,362,015, C>T on the plus strand (G>A on the coding strand, the complement: TNNT2 is on the minus strand). VCF-style: chr1-201362015-C-T. GRCh37 (hg19) VCF-style: chr1-201331143-C-T.
Other names: c.608G>A, p.Arg203Gln (NM_000364.4); c.587G>A, p.Arg196Gln (NM_001001430.3, NM_001276347.2); c.578G>A, p.Arg193Gln (NM_001001431.3); c.569G>A, p.Arg190Gln (NM_001001432.3); c.488G>A, p.Arg163Gln (NM_001276346.2); short protein forms R203Q, R196Q, R206Q, R193Q, R163Q, R190Q.
Identifiers: ClinVar variation 537255 (VCV000537255.19), dbSNP rs371047521, ClinGen allele CA089096.

ClinVar aggregate classification (germline): Uncertain significance. Review status: criteria provided, multiple submitters, no conflicts (2 of 4 stars). 10 submissions from 8 submitters: Uncertain significance (10). Last evaluated 2026-01-26.

Conditions:
Dilated cardiomyopathy 1D. Identifiers: Orphanet 154, Orphanet 54260, MedGen C1832243, MONDO:0011095, OMIM 601494.
Cardiomyopathy, familial restrictive, 3. Identifiers: Orphanet 75249, MedGen C2676271, MONDO:0012900, OMIM 612422.
Hypertrophic cardiomyopathy 2. Also called: TNNT2-Related Familial Hypertrophic Cardiomyopathy. Identifiers: MedGen C1861864, MONDO:0007266, OMIM 115195.
Cardiomyopathy (CMYO). Also called: Cardiomyopathies. Identifiers: Orphanet 167848, MedGen C0878544, MONDO:0004994, HP:0001638. Inheritance: Various modes of inheritance.
Cardiovascular phenotype. Identifiers: MedGen CN230736.

Allele frequency attached by ClinVar (database versions not stated): TOPMed below 0.00001; gnomAD exomes 0.00001; ExAC 0.00002; gnomAD 0.00003; ESP Exome Variant Server 0.00008.

Submissions (10):

Labcorp Genetics (formerly Invitae), Labcorp
Classification: Uncertain significance for Cardiomyopathy, familial restrictive, 3; Hypertrophic cardiomyopathy 2; Dilated cardiomyopathy 1D. Last evaluated: 2026-01-26. Review status: criteria provided, single submitter. Criteria: Invitae Variant Classification Sherloc (09022015). Collection method: clinical testing. Allele origin: germline.
Comment: This sequence change replaces arginine, which is basic and polar, with glutamine, which is neutral and polar, at codon 196 of the TNNT2 protein (p.Arg196Gln). This variant is present in population databases (rs371047521, gnomAD 0.006%). This missense change has been observed in individual(s) with dilated cardiomyopathy (PMID: 31514951). ClinVar contains an entry for this variant (Variation ID: 537255). Invitae Evidence Modeling of protein sequence and biophysical properties (such as structural, functional, and spatial information, amino acid conservation, physicochemical variation, residue mobility, and thermodynamic stability) indicates that this missense variant is not expected to disrupt TNNT2 protein function with a negative predictive value of 80%. This variant disrupts the p.Arg196 amino acid residue in TNNT2. Other variant(s) that disrupt this residue have been determined to be pathogenic (PMID: 26899768, 31514951). This suggests that this residue is clinically significant, and that variants that disrupt this residue are likely to be disease-causing. In summary, the available evidence is currently insufficient to determine the role of this variant in disease. Therefore, it has been classified as a Variant of Uncertain Significance.

Ambry Genetics
Classification: Uncertain significance for Cardiovascular phenotype. Last evaluated: 2025-05-08. Review status: criteria provided, single submitter. Criteria: Ambry Variant Classification Scheme 2023. Collection method: clinical testing. Allele origin: germline.
Comment: The p.R196Q variant (also known as c.587G>A), located in coding exon 12 of the TNNT2 gene, results from a G to A substitution at nucleotide position 587. The arginine at codon 196 is replaced by glutamine, an amino acid with highly similar properties. This variant has been detected in a dilated cardiomyopathy (DCM) cohort; however, details were limited (Gigli M et al. J Am Coll Cardiol. 2019 09;74(11):1480-1490). This amino acid position is not well conserved in available vertebrate species. In addition, the in silico prediction for this alteration is inconclusive. Since supporting evidence is limited at this time, the clinical significance of this alteration remains unclear.

Blueprint Genetics
Classification: Uncertain significance. Last evaluated: 2024-06-04. Review status: criteria provided, single submitter. Criteria: ACMG Guidelines, 2015. Collection method: clinical testing. Allele origin: germline.

All of Us Research Program, National Institutes of Health
Classification: Uncertain significance for Cardiomyopathy. Last evaluated: 2024-03-05. Review status: criteria provided, single submitter. Criteria: ACMG Guidelines, 2015. Collection method: clinical testing. Allele origin: germline. Inheritance: Autosomal dominant inheritance. Observed: 1 variant allele, 1 heterozygote.
Comment: This study involves interpretation of variants in research participants for the purpose of population health screening. Participant phenotype was not available at the time of variant classification. Additional details can be found in publication PMID: 35346344, PMCID: PMC8962531

Centre of Medical Genetics, University Hospital Muenster
Classification: Uncertain significance. Last evaluated: 2023-10-20. Review status: criteria provided, single submitter. Criteria: ACMG Guidelines, 2015. Collection method: clinical testing. Allele origin: unknown. Affected: yes. Observed: 1 variant allele, 1 heterozygote.
Comment: ACMG categories: PM5

Color Diagnostics, LLC DBA Color Health
Classification: Uncertain significance for Cardiomyopathy. Last evaluated: 2023-06-20. Review status: criteria provided, single submitter. Criteria: ACMG Guidelines, 2015. Collection method: clinical testing. Allele origin: germline.
Comment: This missense variant replaces arginine with glutamine at codon 196 of the TNNT2 protein. Computational prediction suggests that this variant may not impact protein structure and function (internally defined REVEL score threshold <= 0.5, PMID: 27666373). To our knowledge, functional studies have not been reported for this variant. This variant has been reported in two individuals affected with dilated cardiomyopathy (PMID: 31514951, 34935411). One of these individuals also carried a pathogenic truncation variant in the TTN gene (PMID: 34935411). This variant has been identified in 3/282874 chromosomes in the general population by the Genome Aggregation Database (gnomAD). The available evidence is insufficient to determine the role of this variant in disease conclusively. Therefore, this variant is classified as a Variant of Uncertain Significance.

Genome-Nilou Lab
Classification: Uncertain significance for Dilated cardiomyopathy 1D. Last evaluated: 2023-04-11. Review status: criteria provided, single submitter. Criteria: ACMG Guidelines, 2015. Collection method: clinical testing. Allele origin: germline. Affected: no.

Genome-Nilou Lab
Classification: Uncertain significance for Cardiomyopathy, familial restrictive, 3. Last evaluated: 2023-04-11. Review status: criteria provided, single submitter. Criteria: ACMG Guidelines, 2015. Collection method: clinical testing. Allele origin: germline. Affected: no.

Genome-Nilou Lab
Classification: Uncertain significance for Hypertrophic cardiomyopathy 2. Last evaluated: 2023-04-11. Review status: criteria provided, single submitter. Criteria: ACMG Guidelines, 2015. Collection method: clinical testing. Allele origin: germline. Affected: no.

Fulgent Genetics
Classification: Uncertain significance for Hypertrophic cardiomyopathy 2; Dilated cardiomyopathy 1D; Cardiomyopathy, familial restrictive, 3. Last evaluated: 2021-07-28. Review status: criteria provided, single submitter. Criteria: ACMG Guidelines, 2015. Collection method: clinical testing. Allele origin: unknown.

Literature cited by the submitters: PubMed 31514951 (cited by 3 submitters); PubMed 26899768 (cited by Labcorp Genetics (formerly Invitae), Labcorp and Ambry Genetics); PubMed 34935411 (cited by Ambry Genetics and Color Diagnostics, LLC DBA Color Health).